The following is an entry in ClinVar:

NM_004369.4(COL6A3):c.6408G>C (p.Arg2136Ser)

Gene: COL6A3 (collagen type VI alpha 3 chain; minus strand). Cytogenetic location: 2q37.3.
Variant type: single nucleotide variant.
Coding change: c.6408G>C on transcript NM_004369.4 (MANE Select); coding-DNA position 6408, G replaced by C.
Protein change: p.Arg2136Ser; replaces arginine 2136 with serine.
Molecular consequence: missense variant.
Genome position (GRCh38, 1-based): chr2:237,359,035, C>G on the plus strand (G>C on the coding strand, the complement: COL6A3 is on the minus strand). VCF-style: chr2-237359035-C-G. GRCh37 (hg19) VCF-style: chr2-238267678-C-G.
Other names: c.4587G>C, p.Arg1529Ser (NM_057166.5); c.5790G>C, p.Arg1930Ser (NM_057167.4); short protein forms R2136S, R1930S, R1529S.
Identifiers: ClinVar variation 499045 (VCV000499045.22), dbSNP rs781675126, ClinGen allele CA2188316.

ClinVar aggregate classification (germline): Uncertain significance. Review status: criteria provided, multiple submitters, no conflicts (2 of 4 stars). 6 submissions from 6 submitters: Uncertain significance (6). Last evaluated 2024-04-04.

Conditions:
Ullrich congenital muscular dystrophy 1A. Also called: Ullrich congenital muscular dystrophy 1; Intermediate COL6-RD. Identifiers: Orphanet 75840, MedGen C0410179, MONDO:0009681, OMIM 254090.
Bethlem myopathy 1A. Also called: MYOPATHY, BENIGN CONGENITAL, WITH CONTRACTURES; Bethlem myopathy 1; Bethlem Muscular Dystrophy. Identifiers: Orphanet 610, MedGen CN029274, MONDO:0024530, OMIM 158810.

Allele frequency attached by ClinVar (database versions not stated): gnomAD exomes 0.00002; ExAC 0.00005.
gnomAD v4.1: 43 of 1,613,728 alleles (0.0027%); highest among the groups gnomAD compares: Non-Finnish European, 0.0035%; no homozygotes.

Submissions (6):

Clinical Genetics Laboratory, Skane University Hospital Lund
Classification: Uncertain significance. Last evaluated: 2024-04-04. Review status: criteria provided, single submitter. Criteria: ACMG Guidelines, 2015. Collection method: clinical testing. Allele origin: germline. Affected: yes.

Molecular Genetics, Royal Melbourne Hospital
Classification: Uncertain significance for Ullrich congenital muscular dystrophy 1A. Last evaluated: 2023-03-30. Review status: criteria provided, single submitter. Criteria: ACMG Guidelines, 2015. Collection method: clinical testing. Allele origin: germline.
Comment: This sequence change is predicted to replace arginine with serine at codon 2136 of the COL6A3 protein, p.(Arg2136Ser). The arginine residue is highly conserved (100 vertebrates, UCSC), and is located in the Collagen-like 2 domain in the triple helical region. There is a large physicochemical difference between arginine and serine. This variant also falls in the last nucleotide of exon 20 of the COL6A3 coding sequence, which is part of the consensus splice site for this exon. The variant is present in a large population cohort at a frequency of 0.002%, which is consistent with a recessive condition (6/251,482 alleles, 0 homozygotes in gnomAD v2.1). A single heterozygote has been reported as a variant of uncertain significance (ClinVar ID: 499045), with no phenotype information. Multiple lines of computational evidence predict a impact on splicing (HSF, MaxEntScan, NNSplice), and predict a deleterious effect for the missense substitution (6/7 algorithms). Based on the classification scheme RMH ACMG Guidelines v1.2.1, this variant is classified as VARIANT of UNCERTAIN SIGNIFICANCE. Following criteria are met: PM2, PP3.

Labcorp Genetics (formerly Invitae), Labcorp
Classification: Uncertain significance for Bethlem myopathy 1A. Last evaluated: 2022-08-16. Review status: criteria provided, single submitter. Criteria: Invitae Variant Classification Sherloc (09022015). Collection method: clinical testing. Allele origin: germline.
Comment: This missense change has been observed in individual(s) with clinical features of COL6A3-related conditions (PMID: 30564623). In summary, the available evidence is currently insufficient to determine the role of this variant in disease. Therefore, it has been classified as a Variant of Uncertain Significance. Variants that disrupt the consensus splice site are a relatively common cause of aberrant splicing (PMID: 17576681, 9536098). Algorithms developed to predict the effect of sequence changes on RNA splicing suggest that this variant may create or strengthen a splice site. Algorithms developed to predict the effect of missense changes on protein structure and function (SIFT, PolyPhen-2, Align-GVGD) all suggest that this variant is likely to be tolerated. ClinVar contains an entry for this variant (Variation ID: 499045). This variant is present in population databases (rs781675126, gnomAD 0.005%). This sequence change replaces arginine, which is basic and polar, with serine, which is neutral and polar, at codon 2136 of the COL6A3 protein (p.Arg2136Ser). This variant also falls at the last nucleotide of exon 20, which is part of the consensus splice site for this exon.

GeneDx
Classification: Uncertain significance. Last evaluated: 2021-04-23. Review status: criteria provided, single submitter. Criteria: GeneDx Variant Classification Process June 2021. Collection method: clinical testing. Allele origin: germline. Affected: yes.
Comment: Identified in a patient with clinically suspected limb-girdle muscular dystrophy who also harbored another variant in the COL6A3 gene, but it is not known whether the variants occurred on the same (in cis) or on different (in trans) chromosomes, and additional familial segregation and clinical information was not included (Nallamilli et al., 2018); In silico analysis supports that this missense variant has a deleterious effect on protein structure/function; Additionally, in-silico analysis, which includes splice predictors and evolutionary conservation, is inconclusive as to whether the variant alters gene splicing. In the absence of RNA/functional studies, the actual effect of this sequence change is unknown.; This variant is associated with the following publications: (PMID: 30564623)

Revvity Omics, Revvity
Classification: Uncertain significance. Last evaluated: 2019-10-14. Review status: criteria provided, single submitter. Criteria: ACMG Guidelines, 2015. Collection method: clinical testing. Allele origin: germline.

Eurofins Ntd Llc (ga)
Classification: Uncertain significance. Last evaluated: 2016-12-27. Review status: criteria provided, single submitter. Criteria: EGL Classification Definitions 2015. Collection method: clinical testing. Allele origin: germline. Observed: 1 variant allele, 1 heterozygote.

Literature cited by the submitters: PubMed 30564623 (cited by Labcorp Genetics (formerly Invitae), Labcorp); PubMed 17576681 (cited by Labcorp Genetics (formerly Invitae), Labcorp); PubMed 9536098 (cited by Labcorp Genetics (formerly Invitae), Labcorp).